The following is an entry in ClinVar:

NM_021625.5(TRPV4):c.1379G>A (p.Arg460Gln)

Gene: TRPV4 (transient receptor potential cation channel subfamily V member 4; minus strand). Cytogenetic location: 12q24.11.
Variant type: single nucleotide variant.
Coding change: c.1379G>A on transcript NM_021625.5 (MANE Select); coding-DNA position 1379, G replaced by A.
Protein change: p.Arg460Gln; replaces arginine 460 with glutamine.
Molecular consequence: missense variant.
Genome position (GRCh38, 1-based): chr12:109,794,441, C>T on the plus strand (G>A on the coding strand, the complement: TRPV4 is on the minus strand). VCF-style: chr12-109794441-C-T. GRCh37 (hg19) VCF-style: chr12-110232246-C-T.
Other names: c.1238G>A, p.Arg413Gln (NM_001177428.2); c.1277G>A, p.Arg426Gln (NM_001177431.2); c.1058G>A, p.Arg353Gln (NM_001177433.2); c.1199G>A, p.Arg400Gln (NM_147204.3); short protein forms R353Q, R400Q, R413Q, R426Q, R460Q.
Identifiers: ClinVar variation 1008532 (VCV001008532.35), dbSNP rs202244562, ClinGen allele CA6780256.

ClinVar aggregate classification (germline): Conflicting classifications of pathogenicity. Review status: criteria provided, conflicting classifications (1 of 4 stars). 5 submissions from 5 submitters: Uncertain significance (2); Likely benign (1). 2 of the submissions do not count toward it. Last evaluated 2026-04-09.

Conditions:
TRPV4-related disorder. Also called: TRPV4-related disorders; TRPV4-related condition.
Charcot-Marie-Tooth disease axonal type 2C (HMSN2C). Also called: CHARCOT-MARIE-TOOTH DISEASE, AXONAL, AUTOSOMAL DOMINANT, TYPE 2C; Charcot-Marie-Tooth Neuropathy Type 2C; Charcot-Marie-Tooth Disease Type 2, TRPV4-Related (CMT2C). Identifiers: Orphanet 99937, MedGen C1853710, MONDO:0011633, OMIM 606071.

Allele frequency attached by ClinVar (database versions not stated): gnomAD exomes 0.00002 and 0.00007; TOPMed 0.00002; ExAC 0.00003; gnomAD 0.00003; ESP Exome Variant Server 0.00008; 1000 Genomes Project 0.00020; 1000 Genomes Project 30x 0.00031.
gnomAD v4.1: 104 of 1,614,028 alleles (0.0064%); highest among the groups gnomAD compares: East Asian, 0.0089%; no homozygotes.

Submissions (5):

PreventionGenetics, part of Exact Sciences
Classification: Uncertain significance for TRPV4-related condition. Last evaluated: 2026-04-09. Review status: criteria provided, single submitter. Criteria: ACMG Guidelines, 2015. Collection method: clinical testing. Allele origin: germline.
Comment: The TRPV4 c.1379G>A variant is predicted to result in the amino acid substitution p.Arg460Gln. To our knowledge, this variant has not been reported in the literature. This variant is reported in 0.011% of alleles in individuals of East Asian descent in gnomAD. At this time, the clinical significance of this variant is uncertain due to the absence of conclusive functional and genetic evidence.

Labcorp Genetics (formerly Invitae), Labcorp
Classification: Uncertain significance for Charcot-Marie-Tooth disease axonal type 2C. Last evaluated: 2025-05-12. Review status: criteria provided, single submitter. Criteria: Invitae Variant Classification Sherloc (09022015). Collection method: clinical testing. Allele origin: germline.
Comment: This sequence change replaces arginine, which is basic and polar, with glutamine, which is neutral and polar, at codon 460 of the TRPV4 protein (p.Arg460Gln). This variant is present in population databases (rs202244562, gnomAD 0.006%). This variant has not been reported in the literature in individuals affected with TRPV4-related conditions. ClinVar contains an entry for this variant (Variation ID: 1008532). Invitae Evidence Modeling of protein sequence and biophysical properties (such as structural, functional, and spatial information, amino acid conservation, physicochemical variation, residue mobility, and thermodynamic stability) has been performed for this missense variant. However, the output from this modeling did not meet the statistical confidence thresholds required to predict the impact of this variant on TRPV4 protein function. In summary, the available evidence is currently insufficient to determine the role of this variant in disease. Therefore, it has been classified as a Variant of Uncertain Significance.

CeGaT Center for Human Genetics Tuebingen
Classification: Likely benign. Last evaluated: 2022-11-01. Review status: criteria provided, single submitter. Criteria: CeGaT Center For Human Genetics Tuebingen Variant Classification Criteria Version 2. Collection method: clinical testing. Allele origin: germline. Affected: yes. Observed: 1 variant allele.
Comment: TRPV4: BP4

Clinical Genetics, Academic Medical Center
Classification: Uncertain significance. Review status: no assertion criteria provided. Collection method: clinical testing. Allele origin: germline. Affected: yes. Study: VKGL Data-share Consensus. Not counted in ClinVar's aggregate classification.

Joint Genome Diagnostic Labs from Nijmegen and Maastricht, Radboudumc and MUMC+
Classification: Uncertain significance. Review status: no assertion criteria provided. Collection method: clinical testing. Allele origin: germline. Affected: yes. Study: VKGL Data-share Consensus. Not counted in ClinVar's aggregate classification.